The following is an entry in ClinVar:

ClinVar aggregate classification (germline): Uncertain significance (1 of 4 stars; one submission).

Submission:

Labcorp Genetics (formerly Invitae), Labcorp
Classification: Uncertain significance. Last evaluated: 2022-03-18. Review status: criteria provided, single submitter. Criteria: Invitae Variant Classification Sherloc (09022015). Collection method: clinical testing. Allele origin: germline.
Comment: This sequence change replaces isoleucine, which is neutral and non-polar, with leucine, which is neutral and non-polar, at codon 365 of the MECR protein (p.Ile365Leu). This variant is not present in population databases (gnomAD no frequency). This variant has not been reported in the literature in individuals affected with MECR-related conditions. Algorithms developed to predict the effect of missense changes on protein structure and function output the following: SIFT: "Tolerated"; PolyPhen-2: "Benign"; Align-GVGD: "Class C0". The leucine amino acid residue is found in multiple mammalian species, which suggests that this missense change does not adversely affect protein function. In summary, the available evidence is currently insufficient to determine the role of this variant in disease. Therefore, it has been classified as a Variant of Uncertain Significance.

NM_016011.5(MECR):c.1093A>C (p.Ile365Leu)

Gene: MECR (mitochondrial trans-2-enoyl-CoA reductase; minus strand). Cytogenetic location: 1p35.3.
Variant type: single nucleotide variant.
Coding change: c.1093A>C on transcript NM_016011.5 (MANE Select); coding-DNA position 1093, A replaced by C.
Protein change: p.Ile365Leu; replaces isoleucine 365 with leucine.
Molecular consequence: missense variant. On other transcripts: non-coding transcript variant (4).
Genome position (GRCh38, 1-based): chr1:29,194,051, T>G on the plus strand (A>C on the coding strand, the complement: MECR is on the minus strand). VCF-style: chr1-29194051-T-G. GRCh37 (hg19) VCF-style: chr1-29520563-T-G.
Other names: c.865A>C, p.Ile289Leu (NM_001024732.4, NM_001349711.2, NM_001349712.2 and 2 more transcripts); c.1198A>C, p.Ile400Leu (NM_001349715.2); c.1177A>C, p.Ile393Leu (NM_001349716.2); c.943A>C, p.Ile315Leu (NM_001349717.2); short protein forms I315L, I365L, I393L, I400L, I289L.
Identifiers: ClinVar variation 2113733 (VCV002113733.1), dbSNP rs768902719, ClinGen allele CA339536806.